The following is an entry in ClinVar:

ClinVar aggregate classification (germline): Uncertain significance. Review status: criteria provided, multiple submitters, no conflicts (2 of 4 stars). 2 submissions from 2 submitters: Uncertain significance (2). Last evaluated 2026-07-31.

Conditions:
Neurofibromatosis, type 2 (SWNV). Also called: NF2-Related Schwannomatosis; SCHWANNOMATOSIS, VESTIBULAR; BILATERAL ACOUSTIC NEUROFIBROMATOSIS. Identifiers: Orphanet 637, MedGen C0027832, MONDO:0007039, OMIM 101000. Disease mechanism: loss of function.
NF2-related disorder. Also called: NF2-related condition.

Allele frequency attached by ClinVar (database versions not stated): TOPMed 0.00008; gnomAD exomes 0.00010 and 0.00001; ExAC 0.00011; gnomAD 0.00006.
gnomAD v4.1: 30 of 1,614,058 alleles (0.0019%); highest among the groups gnomAD compares: East Asian, 0.065%; no homozygotes.

Submissions (2):

PreventionGenetics, part of Exact Sciences
Classification: Uncertain significance for NF2-related condition. Last evaluated: 2026-07-31. Review status: criteria provided, single submitter. Criteria: ACMG Guidelines, 2015. Collection method: clinical testing. Allele origin: germline.
Comment: The NF2 c.1751G>A variant is predicted to result in the amino acid substitution p.Gly584Asp. To our knowledge, this variant has not been reported in the literature. This variant is reported in 0.15% of alleles in individuals of East Asian descent in gnomAD, which is high for variant causative in autosomal dominant disorder. Although we suspect that this variant may be benign, at this time, the clinical significance of this variant is uncertain due to the absence of conclusive functional and genetic evidence.

Mendelics
Classification: Uncertain significance for Neurofibromatosis, type 2. Last evaluated: 2018-07-02. Review status: criteria provided, single submitter. Criteria: Mendelics Assertion Criteria 2017. Collection method: clinical testing. Allele origin: unknown.

NM_000268.4(NF2):c.1737+1432G>A

Gene: NF2 (NF2, moesin-ezrin-radixin like (MERLIN) tumor suppressor; plus strand). Cytogenetic location: 22q12.2.
Variant type: single nucleotide variant.
Coding change: c.1737+1432G>A on transcript NM_000268.4 (MANE Select); 1432 bases into the intron after coding-DNA position 1737, G replaced by A.
Molecular consequence: intron variant. On other transcripts: missense variant (7).
Genome position (GRCh38, 1-based): chr22:29,683,033, G>A. VCF-style: chr22-29683033-G-A. GRCh37 (hg19) VCF-style: chr22-30079022-G-A.
Other names: c.1751G>A, p.Gly584Asp (NM_016418.5, NM_181825.3, NM_181832.3); c.1625G>A, p.Gly542Asp (NM_181828.3); c.1628G>A, p.Gly543Asp (NM_181829.3); c.1502G>A, p.Gly501Asp (NM_181830.3, NM_181831.3); c.448-11719G>A (NM_181833.3); c.1751G>A (NM_181832.2); short protein forms G584D, G543D, G501D, G542D.
Identifiers: ClinVar variation 585003 (VCV000585003.3), dbSNP rs746764835, ClinGen allele CA033276.